The following is an entry in ClinVar:

NM_000257.4(MYH7):c.2460C>T (p.Ala820=)

Genes: MYH7 (myosin heavy chain 7; minus strand), LOC126861898 (BRD4-independent group 4 enhancer GRCh37_chr14:23893609-23894808; plus strand). Cytogenetic location: 14q11.2.
Variant type: single nucleotide variant.
Coding change: c.2460C>T on transcript NM_000257.4 (MANE Select); coding-DNA position 2460, C replaced by T.
Protein change: p.Ala820=; no amino-acid change (alanine 820 retained).
Molecular consequence: synonymous variant.
Genome position (GRCh38, 1-based): chr14:23,424,988, G>A on the plus strand (C>T on the coding strand, the complement: MYH7 is on the minus strand). VCF-style: chr14-23424988-G-A. GRCh37 (hg19) VCF-style: chr14-23894197-G-A.
Other names: c.2460C>T, p.Ala820= (NM_001407004.1).
Identifiers: ClinVar variation 3074434 (VCV003074434.1), dbSNP rs2502284206, ClinGen allele CA485766780.

ClinVar aggregate classification (germline): Likely benign (1 of 4 stars; one submission).

Conditions:
Cardiomyopathy (CMYO). Also called: Cardiomyopathies. Identifiers: Orphanet 167848, MedGen C0878544, MONDO:0004994, HP:0001638. Inheritance: Various modes of inheritance.

Submission:

All of Us Research Program, National Institutes of Health
Classification: Likely benign for Cardiomyopathy. Last evaluated: 2023-11-20. Review status: criteria provided, single submitter. Criteria: ACMG Guidelines, 2015. Collection method: clinical testing. Allele origin: germline. Inheritance: Autosomal dominant inheritance. Observed: 1 variant allele, 1 heterozygote.
Comment: This study involves interpretation of variants in research participants for the purpose of population health screening. Participant phenotype was not available at the time of variant classification. Additional details can be found in publication PMID: 35346344, PMCID: PMC8962531